The following is an entry in ClinVar:

NM_015448.3(DPCD):c.11C>T (p.Thr4Met)

Genes: DPCD (deleted in primary ciliary dyskinesia homolog (mouse); plus strand), LOC130004559 (ATAC-STARR-seq lymphoblastoid active region 3913; plus strand). Cytogenetic location: 10q24.32.
Variant type: single nucleotide variant.
Coding change: c.11C>T on transcript NM_015448.3 (MANE Select); coding-DNA position 11, C replaced by T.
Protein change: p.Thr4Met; replaces threonine 4 with methionine.
Molecular consequence: missense variant. On other transcripts: 5 prime UTR variant (1).
Genome position (GRCh38, 1-based): chr10:101,588,347, C>T. VCF-style: chr10-101588347-C-T. GRCh37 (hg19) VCF-style: chr10-103348104-C-T.
Other names: c.11C>T, p.Thr4Met (NM_001329742.2, NM_001329743.2, NM_001329744.2 and 1 more transcripts); c.-330C>T (NM_001329745.2); short protein forms T4M.
Identifiers: ClinVar variation 91991 (VCV000091991.2), dbSNP rs386352299, ClinGen allele CA232308.

ClinVar aggregate classification (germline): Uncertain significance (0 of 4 stars; one submission).

Allele frequency attached by ClinVar (database versions not stated): gnomAD 0.00001; gnomAD exomes 0.00001; TOPMed 0.00001; ExAC 0.00002.

Submission:

Richard Lifton Laboratory, Yale University School of Medicine
Classification: Uncertain significance. Review status: no assertion criteria provided. Collection method: not provided. Allele origin: somatic.
Comment: DPCD
ClinVar note: Converted during submission from unknown to Uncertain significance.